The following is an entry in ClinVar:

NC_000016.9:g.(?_2089925)_(2090249_?)del

Gene: NTHL1 (nth like DNA glycosylase 1; minus strand). Cytogenetic location: 16p13.3.
Variant type: Deletion.
Identifiers: ClinVar variation 1507731 (VCV001507731.5).

ClinVar aggregate classification (germline): Likely pathogenic (1 of 4 stars; one submission).

Submission:

Labcorp Genetics (formerly Invitae), Labcorp
Classification: Likely pathogenic. Last evaluated: 2023-05-30. Review status: criteria provided, single submitter. Criteria: Invitae Variant Classification Sherloc (09022015). Collection method: clinical testing. Allele origin: germline.
Comment: In summary, the currently available evidence indicates that the variant is pathogenic, but additional data are needed to prove that conclusively. Therefore, this variant has been classified as Likely Pathogenic. This variant disrupts the C-terminus of the NTHL1 protein. Other variant(s) that disrupt this region (p.Gln287*) have been determined to be pathogenic (PMID: 27329137, 30753826, 28912133, 30552997). This suggests that variants that disrupt this region of the protein are likely to be causative of disease. This variant has not been reported in the literature in individuals affected with NTHL1-related conditions. This variant is a gross deletion of the genomic region encompassing exon(s) 5-6 of the NTHL1 gene, which includes the termination codon. This deletion extends beyond the assayed region for this gene and therefore may encompass additional genes. While this deletion is not anticipated to lead to nonsense mediated decay, it is expected to alter mRNA translation or result in a truncated protein product.

Literature cited by the submitters: PubMed 27329137; PubMed 30753826; PubMed 28912133; PubMed 30552997.